The following is an entry in ClinVar:

ClinVar aggregate classification (germline): Uncertain significance (1 of 4 stars; one submission).

Submission:

Labcorp Genetics (formerly Invitae), Labcorp
Classification: Uncertain significance. Last evaluated: 2021-09-22. Review status: criteria provided, single submitter. Criteria: Invitae Variant Classification Sherloc (09022015). Collection method: clinical testing. Allele origin: germline.
Comment: In summary, the available evidence is currently insufficient to determine the role of this variant in disease. Therefore, it has been classified as a Variant of Uncertain Significance. Advanced modeling of protein sequence and biophysical properties (such as structural, functional, and spatial information, amino acid conservation, physicochemical variation, residue mobility, and thermodynamic stability) performed at Invitae indicates that this missense variant is not expected to disrupt GRIN2D protein function. This variant has not been reported in the literature in individuals affected with GRIN2D-related conditions. This variant is not present in population databases (ExAC no frequency). This sequence change replaces serine with leucine at codon 1115 of the GRIN2D protein (p.Ser1115Leu). The serine residue is weakly conserved and there is a large physicochemical difference between serine and leucine.

NM_000836.4(GRIN2D):c.3344C>T (p.Ser1115Leu)

Gene: GRIN2D (glutamate ionotropic receptor NMDA type subunit 2D; plus strand). Cytogenetic location: 19q13.33.
Variant type: single nucleotide variant.
Coding change: c.3344C>T on transcript NM_000836.4 (MANE Select); coding-DNA position 3344, C replaced by T.
Protein change: p.Ser1115Leu; replaces serine 1115 with leucine.
Molecular consequence: missense variant.
Genome position (GRCh38, 1-based): chr19:48,443,270, C>T. VCF-style: chr19-48443270-C-T. GRCh37 (hg19) VCF-style: chr19-48946527-C-T.
Other names: short protein forms S1115L.
Identifiers: ClinVar variation 1410183 (VCV001410183.6), dbSNP rs2147477269, ClinGen allele CA406675729.
Genomic context (GRCh38, chr19:48,443,270, plus strand): 5'-CGTGCCGCGCCGCGCCGCCCCCGTGCCCTTACCTCGATCTCGAGCCGTCGCCGTCGGACT[C>T]GGAGGACTCGGAGAGCCTGGGCGGCGCGTCGCTGGGCGGCCTGGAGCCCTGGTGGTTCGC-3'
Protein context (NP_000827.2, residues 1105-1125): YLDLEPSPSD[Ser1115Leu]EDSESLGGAS